The following is an entry in ClinVar:

ClinVar aggregate classification (germline): Conflicting classifications of pathogenicity. Review status: criteria provided, conflicting classifications (1 of 4 stars). 4 submissions from 4 submitters: Uncertain significance (3); Likely benign (1). Last evaluated 2025-09-15.

Conditions:
Aortic aneurysm, familial thoracic 4 (AAT4). Also called: AORTIC ANEURYSM/AORTIC DISSECTION AND PATENT DUCTUS ARTERIOSUS. Identifiers: MedGen C1851504, MONDO:0007568, OMIM 132900.
Familial thoracic aortic aneurysm and aortic dissection (TAAD). Also called: Thoracic aortic aneurysms and dissections. Identifiers: Orphanet 91387, MedGen C4707243, MONDO:0019625.

Allele frequency attached by ClinVar (database versions not stated): TOPMed 0.00001; ExAC 0.00002; gnomAD exomes 0.00002 and 0.00004.
gnomAD v4.1: 10 of 1,614,192 alleles (0.00062%); highest among the groups gnomAD compares: Admixed American, 0.017%; no homozygotes.

Submissions (4):

Labcorp Genetics (formerly Invitae), Labcorp
Classification: Uncertain significance for Aortic aneurysm, familial thoracic 4. Last evaluated: 2025-09-15. Review status: criteria provided, single submitter. Criteria: Invitae Variant Classification Sherloc (09022015). Collection method: clinical testing. Allele origin: germline.
Comment: This sequence change replaces alanine, which is neutral and non-polar, with serine, which is neutral and polar, at codon 1365 of the MYH11 protein (p.Ala1365Ser). This variant is present in population databases (rs763280025, gnomAD 0.03%). This variant has not been reported in the literature in individuals affected with MYH11-related conditions. ClinVar contains an entry for this variant (Variation ID: 1181922). Invitae Evidence Modeling of protein sequence and biophysical properties (such as structural, functional, and spatial information, amino acid conservation, physicochemical variation, residue mobility, and thermodynamic stability) indicates that this missense variant is not expected to disrupt MYH11 protein function with a negative predictive value of 95%. In summary, the available evidence is currently insufficient to determine the role of this variant in disease. Therefore, it has been classified as a Variant of Uncertain Significance.

Ambry Genetics
Classification: Uncertain significance for Familial thoracic aortic aneurysm and aortic dissection. Last evaluated: 2025-05-05. Review status: criteria provided, single submitter. Criteria: Ambry Variant Classification Scheme 2023. Collection method: clinical testing. Allele origin: germline.
Comment: The p.A1358S variant (also known as c.4072G>T), located in coding exon 29 of the MYH11 gene, results from a G to T substitution at nucleotide position 4072. The alanine at codon 1358 is replaced by serine, an amino acid with similar properties. This amino acid position is well conserved in available vertebrate species. In addition, the in silico prediction for this alteration is inconclusive. Since supporting evidence is limited at this time, the clinical significance of this alteration remains unclear.

Women's Health and Genetics/Laboratory Corporation of America, LabCorp
Classification: Likely benign. Last evaluated: 2023-08-10. Review status: criteria provided, single submitter. Criteria: LabCorp Variant Classification Summary - May 2015. Collection method: clinical testing. Allele origin: germline.

GeneDx
Classification: Uncertain significance. Last evaluated: 2021-11-29. Review status: criteria provided, single submitter. Criteria: GeneDx Variant Classification Process June 2021. Collection method: clinical testing. Allele origin: germline. Affected: yes.
Comment: Has not been previously published as pathogenic or benign to our knowledge; In silico analysis supports that this missense variant does not alter protein structure/function

NM_002474.3(MYH11):c.4072G>T (p.Ala1358Ser)

Genes: MYH11 (myosin heavy chain 11; minus strand), NDE1 (nudE neurodevelopment protein 1; plus strand). Cytogenetic location: 16p13.11.
Variant type: single nucleotide variant.
Coding change: c.4072G>T on transcript NM_002474.3 (MANE Select); coding-DNA position 4072, G replaced by T.
Protein change: p.Ala1358Ser; replaces alanine 1358 with serine.
Molecular consequence: missense variant. On other transcripts: 3 prime UTR variant (2).
Genome position (GRCh38, 1-based): chr16:15,724,691, C>A on the plus strand (G>T on the coding strand, the complement: MYH11 is on the minus strand). VCF-style: chr16-15724691-C-A. GRCh37 (hg19) VCF-style: chr16-15818548-C-A.
Other names: c.4093G>T, p.Ala1365Ser (NM_001040113.2, NM_001040114.2); c.4072G>T, p.Ala1358Ser (NM_022844.3); c.*440C>A (NM_001143979.2, NM_017668.3); short protein forms A1358S, A1365S.
Identifiers: ClinVar variation 1181922 (VCV001181922.11), dbSNP rs763280025, ClinGen allele CA7921793.